The following is an entry in ClinVar:

ClinVar aggregate classification (germline): Benign/Likely benign. Review status: criteria provided, multiple submitters, no conflicts (2 of 4 stars). 28 submissions from 27 submitters: Benign (8); Likely benign (12). 8 of the submissions do not count toward it. Last evaluated 2026-09-04.

Conditions:
Fanconi anemia, complementation group S (FANCS). Identifiers: MedGen C4554406, MONDO:0054748, OMIM 617883.
Breast-ovarian cancer, familial, susceptibility to, 1 (BROVCA1). Also called: OVARIAN CANCER, SUSCEPTIBILITY TO; BRCA1 Hereditary Breast and Ovarian Cancer. Identifiers: Orphanet 145, MedGen C2676676, MONDO:0011450, OMIM 604370. Disease mechanism: loss of function.
Familial cancer of breast. Also called: Hereditary breast cancer; BREAST CANCER, FAMILIAL; hereditary breast carcinoma. Identifiers: Orphanet 227535, MedGen C0346153, MONDO:0016419, OMIM 114480. Disease mechanism: loss of function.
Inherited breast cancer and ovarian cancer.
BRCA1-related cancer predisposition. Identifiers: MedGen CN377757, MONDO:0700268.
Hereditary cancer-predisposing syndrome. Also called: Neoplastic Syndromes, Hereditary; Tumor predisposition; Hereditary Cancer Syndrome; Hereditary neoplastic syndrome. Identifiers: Orphanet 140162, MedGen C0027672, MeSH D009386, MONDO:0015356.
Breast neoplasm. Also called: Neoplasm of breast; Breast tumor; Breast Neoplasms; Neoplasm of the breast. Identifiers: MedGen C1458155, MeSH D001943, MONDO:0021100, HP:0100013. Disease mechanism: gain of function.
Hereditary breast ovarian cancer syndrome. Also called: Hereditary breast and/or ovarian cancer syndrome; Hereditary breast and ovarian cancer syndrome; Hereditary breast and ovarian cancer; Hereditary breast and ovarian cancer syndrome (HBOC); Breast and ovarian cancer; BRCA1- and BRCA2-Associated Hereditary Breast and Ovarian Cancer. Identifiers: Orphanet 145, MedGen C0677776, MeSH D061325, MONDO:0003582. Disease mechanism: loss of function.
Malignant tumor of breast. Also called: Malignant breast neoplasm; Cancer breast. Identifiers: MedGen C0006142, MONDO:0007254. Disease mechanism: loss of function.

Allele frequency attached by ClinVar (database versions not stated): gnomAD exomes 0.00011; 1000 Genomes Project 30x 0.00125; gnomAD 0.00150; TOPMed 0.00156; 1000 Genomes Project 0.00160; ESP Exome Variant Server 0.00185.
gnomAD v4.1: 376 of 1,614,076 alleles (0.023%); highest among the groups gnomAD compares: African/African-American, 0.43%; 2 homozygotes.

Submissions 1 to 21 of 28:

Cambridge Genomics Laboratory, East Genomic Laboratory Hub, NHS Genomic Medicine Service
Classification: Benign for Inherited breast cancer and ovarian cancer. Last evaluated: 2026-09-04. Review status: criteria provided, single submitter. Criteria: ACGS Best Practice Guidelines for Variant Classification in Rare Disease 2020. Collection method: clinical testing. Allele origin: germline. Affected: yes.
Comment: BS3_Strong

CeGaT Center for Human Genetics Tuebingen
Classification: Likely benign. Last evaluated: 2026-09-01. Review status: criteria provided, single submitter. Criteria: CeGaT Center For Human Genetics Tuebingen Variant Classification Criteria Version 2. Collection method: clinical testing. Allele origin: germline. Affected: yes. Observed: 1 variant allele.
Comment: BRCA1: BS2

Labcorp Genetics (formerly Invitae), Labcorp
Classification: Benign for Hereditary breast ovarian cancer syndrome. Last evaluated: 2026-02-03. Review status: criteria provided, single submitter. Criteria: Invitae Variant Classification Sherloc (09022015). Collection method: clinical testing. Allele origin: germline.

All of Us Research Program, National Institutes of Health
Classification: Likely benign for BRCA1-related cancer predisposition. Last evaluated: 2024-09-23. Review status: criteria provided, single submitter. Criteria: ACMG Guidelines, 2015. Collection method: clinical testing. Allele origin: germline. Inheritance: Autosomal dominant inheritance. Observed: 128 variant alleles, 127 heterozygotes, 1 homozygote.
Comment: This study involves interpretation of variants in research participants for the purpose of population health screening. Participant phenotype was not available at the time of variant classification. Additional details can be found in publication PMID: 35346344, PMCID: PMC8962531

Department of Pathology and Laboratory Medicine, Sinai Health System
Classification: Likely benign for Familial cancer of breast; Breast-ovarian cancer, familial, susceptibility to, 1; Fanconi anemia, complementation group S. Last evaluated: 2024-07-24. Review status: criteria provided, single submitter. Criteria: ACMG Guidelines, 2015. Collection method: clinical testing. Allele origin: germline. Affected: yes.

Blueprint Genetics
Classification: Likely benign. Last evaluated: 2023-12-18. Review status: criteria provided, single submitter. Criteria: ACMG Guidelines, 2015. Collection method: clinical testing. Allele origin: germline.

ARUP Laboratories, Molecular Genetics and Genomics, ARUP Laboratories
Classification: Benign. Last evaluated: 2023-09-19. Review status: criteria provided, single submitter. Criteria: ARUP Molecular Germline Variant Investigation Process 2024. Collection method: clinical testing. Allele origin: germline.

National Health Laboratory Service, Universitas Academic Hospital and University of the Free State
Classification: Benign for Hereditary breast ovarian cancer syndrome. Last evaluated: 2022-04-19. Review status: criteria provided, single submitter. Criteria: ACMG Guidelines, 2015. Collection method: clinical testing. Allele origin: germline. Affected: yes. Observed: 11 variant alleles.

Genetics Program, Instituto Nacional de Cancer
Classification: Likely benign for Hereditary breast ovarian cancer syndrome. Last evaluated: 2021-11-01. Review status: criteria provided, single submitter. Criteria: ACMG Guidelines, 2015. Collection method: research. Allele origin: germline. Affected: yes.

Genetic Services Laboratory, University of Chicago
Classification: Likely benign. Last evaluated: 2021-02-26. Review status: criteria provided, single submitter. Criteria: ACMG Guidelines, 2015. Collection method: clinical testing. Allele origin: germline. Affected: no.

Sema4
Classification: Benign for Hereditary cancer-predisposing syndrome. Last evaluated: 2020-12-02. Review status: criteria provided, single submitter. Criteria: Sema4 Curation Guidelines. Collection method: curation. Allele origin: germline.

Genetics and Molecular Pathology, SA Pathology
Classification: Likely benign for Familial cancer of breast. Last evaluated: 2020-08-11. Review status: criteria provided, single submitter. Criteria: ACMG Guidelines, 2015. Collection method: clinical testing. Allele origin: germline. Affected: yes.
Comment: The BRCA1 c.4682C>T variant is classified as Likely Benign (BS2, BP6)

Mendelics
Classification: Benign for Breast-ovarian cancer, familial, susceptibility to, 1. Last evaluated: 2019-05-28. Review status: criteria provided, single submitter. Criteria: Mendelics Assertion Criteria 2017. Collection method: clinical testing. Allele origin: unknown.

GeneDx
Classification: Benign. Last evaluated: 2018-11-30. Review status: criteria provided, single submitter. Criteria: GeneDx Variant Classification Process June 2021. Collection method: clinical testing. Allele origin: germline. Affected: yes.
Comment: This variant is associated with the following publications: (PMID: 15350310, 24055113, 25637381, 22505045, 8776600, 10811118, 26689913, 27153395, 26332594, 28781887, 16267036, 15726418, 17308087, 22811390, 30765603, 33087888)

Illumina Laboratory Services, Illumina
Classification: Likely benign for Breast-ovarian cancer, familial, susceptibility to, 1. Last evaluated: 2017-04-28. Review status: criteria provided, single submitter. Criteria: ICSL Variant Classification Criteria 13 December 2019. Collection method: clinical testing. Allele origin: germline.
Comment: This variant was observed as part of a predisposition screen in an ostensibly healthy population. A literature search was performed for the gene, cDNA change, and amino acid change (where applicable). No publications were found based on this search. Allele frequency data from public databases allowed determination this variant is unlikely to cause disease. Therefore, this variant is classified as likely benign.

Institute for Biomarker Research, Medical Diagnostic Laboratories, L.L.C.
Classification: Likely benign for Hereditary breast and ovarian cancer syndrome(HBOC). Last evaluated: 2017-02-14. Review status: criteria provided, single submitter. Criteria: ACMG Guidelines, 2015. Collection method: clinical testing. Allele origin: germline.

PreventionGenetics, part of Exact Sciences
Classification: Likely benign. Last evaluated: 2016-10-03. Review status: criteria provided, single submitter. Criteria: ACMG Guidelines, 2015. Collection method: clinical testing. Allele origin: germline.

Eurofins Ntd Llc (ga)
Classification: Likely benign. Last evaluated: 2016-01-11. Review status: criteria provided, single submitter. Criteria: EGL Classification Definitions 2015. Collection method: clinical testing. Allele origin: germline. Observed: 5 variant alleles, 5 heterozygotes.

Color Diagnostics, LLC DBA Color Health
Classification: Likely benign for Hereditary cancer-predisposing syndrome. Last evaluated: 2014-12-16. Review status: criteria provided, single submitter. Criteria: ACMG Guidelines, 2015. Collection method: clinical testing. Allele origin: germline.

Ambry Genetics
Classification: Benign for Hereditary cancer-predisposing syndrome. Last evaluated: 2014-06-24. Review status: criteria provided, single submitter. Criteria: Ambry Variant Classification Scheme 2023. Collection method: clinical testing. Allele origin: germline.

True Health Diagnostics
Classification: Likely benign for Hereditary cancer-predisposing syndrome. Last evaluated: 2017-12-08. Review status: no assertion criteria provided. Collection method: clinical testing. Allele origin: germline. Not counted in ClinVar's aggregate classification.

NM_007294.4(BRCA1):c.4682C>T (p.Thr1561Ile)

Gene: BRCA1 (BRCA1 DNA repair associated; minus strand). Cytogenetic location: 17q21.31.
Variant type: single nucleotide variant.
Coding change: c.4682C>T on transcript NM_007294.4 (MANE Select); coding-DNA position 4682, C replaced by T.
Protein change: p.Thr1561Ile; replaces threonine 1561 with isoleucine.
Molecular consequence: missense variant. On other transcripts: non-coding transcript variant (1).
Genome position (GRCh38, 1-based): chr17:43,071,232, G>A on the plus strand (C>T on the coding strand, the complement: BRCA1 is on the minus strand). VCF-style: chr17-43071232-G-A. GRCh37 (hg19) VCF-style: chr17-41223249-G-A.
Other names: p.T1561I:ACC>ATC; NP_009225.1:p.Thr1561Ile; c.4469C>T, p.Thr1490Ile (NM_001407571.1, NM_001407899.1, NM_001407900.1 and 12 more transcripts); c.4748C>T, p.Thr1583Ile (NM_001407581.1, NM_001407582.1); c.4745C>T, p.Thr1582Ile (NM_001407583.1, NM_001407585.1, NM_001407587.1 and 1 more transcripts); c.4742C>T, p.Thr1581Ile (NM_001407590.1, NM_001407591.1); c.4682C>T, p.Thr1561Ile (NM_001407593.1, NM_001407594.1, NM_001407596.1 and 8 more transcripts); c.4679C>T, p.Thr1560Ile (NM_001407610.1, NM_001407611.1, NM_001407612.1 and 17 more transcripts); and 72 more; short protein forms T1561I, T1582I, T457I, T1514I, T411I, T419I, T433I, T455I.
Identifiers: ClinVar variation 55259 (VCV000055259.90), dbSNP rs56158747, ClinGen allele CA002976.